The following is an entry in ClinVar:

ClinVar aggregate classification (germline): Likely benign. Review status: criteria provided, multiple submitters, no conflicts (2 of 4 stars). 6 submissions from 6 submitters: Likely benign (6). Last evaluated 2025-12-08.

Conditions:
Cardiovascular phenotype. Identifiers: MedGen CN230736.
RASopathy. Also called: Noonan spectrum disorder; rasopathies. Identifiers: Orphanet 536391, MedGen C5555857, MONDO:0021060.

Allele frequency attached by ClinVar (database versions not stated): gnomAD exomes 0.00001 and 0.00002; TOPMed 0.00003; gnomAD 0.00004.
gnomAD v4.1: 32 of 1,614,196 alleles (0.002%); highest among the groups gnomAD compares: East Asian, 0.0067%; no homozygotes.

Submissions (6):

Labcorp Genetics (formerly Invitae), Labcorp
Classification: Likely benign for RASopathy. Last evaluated: 2025-12-08. Review status: criteria provided, single submitter. Criteria: Invitae Variant Classification Sherloc (09022015). Collection method: clinical testing. Allele origin: germline.

Women's Health and Genetics/Laboratory Corporation of America, LabCorp
Classification: Likely benign. Last evaluated: 2025-05-27. Review status: criteria provided, single submitter. Criteria: LabCorp Variant Classification Summary - May 2015. Collection method: clinical testing. Allele origin: germline.

Ambry Genetics
Classification: Likely benign for Cardiovascular phenotype. Last evaluated: 2022-04-09. Review status: criteria provided, single submitter. Criteria: Ambry Variant Classification Scheme 2023. Collection method: clinical testing. Allele origin: germline.

GeneDx
Classification: Likely benign. Last evaluated: 2016-07-19. Review status: criteria provided, single submitter. Criteria: GeneDx Variant Classification (06012015). Collection method: clinical testing. Allele origin: germline. Affected: yes.
Comment: This variant is considered likely benign or benign based on one or more of the following criteria: it is a conservative change, it occurs at a poorly conserved position in the protein, it is predicted to be benign by multiple in silico algorithms, and/or has population frequency not consistent with disease.

Laboratory for Molecular Medicine, Mass General Brigham Personalized Medicine
Classification: Likely benign. Last evaluated: 2016-06-14. Review status: criteria provided, single submitter. Criteria: LMM Criteria. Collection method: clinical testing. Allele origin: germline. Observed: 1 variant allele.
Comment: p.His426His in exon 11 of PTPN11: This variant is not expected to have clinical significance because it does not alter an amino acid residue and is not located within the splice consensus sequence.

PreventionGenetics, part of Exact Sciences
Classification: Likely benign. Review status: criteria provided, single submitter. Criteria: ACMG Guidelines, 2015. Collection method: clinical testing. Allele origin: germline.

NM_002834.5(PTPN11):c.1278C>T (p.His426=)

Gene: PTPN11 (protein tyrosine phosphatase non-receptor type 11; plus strand). Cytogenetic location: 12q24.13.
Variant type: single nucleotide variant.
Coding change: c.1278C>T on transcript NM_002834.5 (MANE Select); coding-DNA position 1278, C replaced by T.
Protein change: p.His426=; no amino-acid change (histidine 426 retained).
Molecular consequence: synonymous variant.
Genome position (GRCh38, 1-based): chr12:112,486,528, C>T. VCF-style: chr12-112486528-C-T. GRCh37 (hg19) VCF-style: chr12-112924332-C-T.
Other names: c.1290C>T, p.His430= (NM_001330437.2); c.1275C>T, p.His425= (NM_001374625.1); c.1278C>T, p.His426= (NM_080601.3).
Identifiers: ClinVar variation 258814 (VCV000258814.17), dbSNP rs886038519, ClinGen allele CA10587142.